The following is an entry in ClinVar:

ClinVar aggregate classification (germline): Benign/Likely benign. Review status: criteria provided, multiple submitters, no conflicts (2 of 4 stars). 2 submissions from 2 submitters: Benign (1); Likely benign (1). Last evaluated 2025-03-07.

Conditions:
Hereditary cancer-predisposing syndrome. Also called: Hereditary Cancer Syndrome; Hereditary neoplastic syndrome; Neoplastic Syndromes, Hereditary; Tumor predisposition. Identifiers: Orphanet 140162, MedGen C0027672, MeSH D009386, MONDO:0015356.
Pheochromocytoma/paraganglioma syndrome 5. Also called: Paragangliomas 5; SDHA-Related Hereditary Paraganglioma-Pheochromocytoma Syndrome. Identifiers: Orphanet 29072, MedGen C3279992, MONDO:0013602, OMIM 614165.

Submissions (2):

Myriad Genetics, Inc.
Classification: Benign for Pheochromocytoma/paraganglioma syndrome 5. Last evaluated: 2025-03-07. Review status: criteria provided, single submitter. Criteria: Myriad Autosomal Dominant, Autosomal Recessive and X-Linked Classification Criteria (2023). Collection method: clinical testing. Allele origin: unknown.
Comment: This variant is considered benign. This variant is a silent/synonymous amino acid change and it is not expected to impact splicing.

Ambry Genetics
Classification: Likely benign for Hereditary cancer-predisposing syndrome. Last evaluated: 2020-11-01. Review status: criteria provided, single submitter. Criteria: Ambry Variant Classification Scheme 2023. Collection method: clinical testing. Allele origin: germline.

NM_004168.4(SDHA):c.1152A>G (p.Ser384=)

Gene: SDHA (succinate dehydrogenase complex flavoprotein subunit A; plus strand). Cytogenetic location: 5p15.33.
Variant type: single nucleotide variant.
Coding change: c.1152A>G on transcript NM_004168.4 (MANE Select); coding-DNA position 1152, A replaced by G.
Protein change: p.Ser384=; no amino-acid change (serine 384 retained).
Molecular consequence: synonymous variant.
Genome position (GRCh38, 1-based): chr5:235,231, A>G. VCF-style: chr5-235231-A-G. GRCh37 (hg19) VCF-style: chr5-235346-A-G.
Other names: c.1008A>G, p.Ser336= (NM_001294332.2); c.1152A>G, p.Ser384= (NM_001330758.2).
Identifiers: ClinVar variation 1734314 (VCV001734314.3), dbSNP rs2126584840, ClinGen allele CA442691980.